The following is an entry in ClinVar:

NM_001134363.3(RBM20):c.1429+1G>A

Gene: RBM20 (RNA binding motif protein 20; plus strand). Cytogenetic location: 10q25.2.
Variant type: single nucleotide variant.
Coding change: c.1429+1G>A on transcript NM_001134363.3 (MANE Select); the canonical splice donor site of the intron after coding-DNA position 1429, G replaced by A.
Molecular consequence: splice donor variant.
Genome position (GRCh38, 1-based): chr10:110,784,433, G>A. VCF-style: chr10-110784433-G-A. GRCh37 (hg19) VCF-style: chr10-112544191-G-A.
Identifiers: ClinVar variation 1522677 (VCV001522677.7), dbSNP rs1193393493, ClinGen allele CA378388158.
Genomic context (GRCh38, chr10:110,784,433, plus strand): 5'-AGGGAACATTGTGTGCTTCTCCCAACAGCACAGCTGTTTATAACCCTGCTGGGAATGAAG[G>A]TGAGCAAGGCCCTACAGGTCAGCAGCTTGAAGCAGAAGTGGGCTACCCACAGGCACATTA-3'

ClinVar aggregate classification (germline): Conflicting classifications of pathogenicity. Review status: criteria provided, conflicting classifications (1 of 4 stars). 2 submissions from 2 submitters: Likely pathogenic (1); Uncertain significance (1). Last evaluated 2026-03-31.

Conditions:
Dilated cardiomyopathy 1DD (CMD1DD). Identifiers: Orphanet 154, MedGen C2750995, MONDO:0013168, OMIM 613172.

Allele frequency attached by ClinVar (database versions not stated): gnomAD exomes below 0.00001; TOPMed below 0.00001; gnomAD 0.00001.
gnomAD v4.1: 2 of 1,550,168 alleles (0.00013%); highest among the groups gnomAD compares: Non-Finnish European, 0.00017%; no homozygotes.

Submissions (2):

GeneDx
Classification: Uncertain significance. Last evaluated: 2026-03-31. Review status: criteria provided, single submitter. Criteria: GeneDx Variant Classification Process June 2021. Collection method: clinical testing. Allele origin: germline.
Comment: Not observed at significant frequency in large population cohorts (gnomAD); Canonical splice site variant in a gene or region of a gene for which loss of function is not a well-established mechanism of disease; Has not been previously published as pathogenic or benign to our knowledge

Labcorp Genetics (formerly Invitae), Labcorp
Classification: Likely pathogenic for Dilated cardiomyopathy 1DD. Last evaluated: 2025-11-21. Review status: criteria provided, single submitter. Criteria: Invitae Variant Classification Sherloc (09022015). Collection method: clinical testing. Allele origin: germline.
Comment: This sequence change affects a donor splice site in intron 4 of the RBM20 gene. It is expected to disrupt RNA splicing. Variants that disrupt the donor or acceptor splice site typically lead to a loss of protein function (PMID: 16199547), and loss-of-function variants in RBM20 are known to be pathogenic (PMID: 20590677, 22004663, 38288598, 38510713, 40339755). This variant is not present in population databases (gnomAD no frequency). This variant has not been reported in the literature in individuals affected with RBM20-related conditions. ClinVar contains an entry for this variant (Variation ID: 1522677). Algorithms developed to predict the effect of sequence changes on RNA splicing suggest that this variant may disrupt the consensus splice site. In summary, the currently available evidence indicates that the variant is pathogenic, but additional data are needed to prove that conclusively. Therefore, this variant has been classified as Likely Pathogenic.

Literature cited by the submitters: PubMed 16199547 (cited by Labcorp Genetics (formerly Invitae), Labcorp); PubMed 20590677 (cited by Labcorp Genetics (formerly Invitae), Labcorp); PubMed 22004663 (cited by Labcorp Genetics (formerly Invitae), Labcorp); PubMed 38288598 (cited by Labcorp Genetics (formerly Invitae), Labcorp); PubMed 38510713 (cited by Labcorp Genetics (formerly Invitae), Labcorp); PubMed 40339755 (cited by Labcorp Genetics (formerly Invitae), Labcorp).